The following is an entry in ClinVar:

NM_000321.3(RB1):c.-72C>T

Gene: RB1 (RB transcriptional corepressor 1; plus strand). Cytogenetic location: 13q14.2.
Variant type: single nucleotide variant.
Coding change: c.-72C>T on transcript NM_000321.3 (MANE Select); 72 bases upstream of the start codon, C replaced by T.
Molecular consequence: 5 prime UTR variant.
Genome position (GRCh38, 1-based): chr13:48,303,841, C>T. VCF-style: chr13-48303841-C-T. GRCh37 (hg19) VCF-style: chr13-48877977-C-T.
Other names: c.-72C>T (NM_001407165.1, NM_001407166.1, NM_001407167.1).
Identifiers: ClinVar variation 2702258 (VCV002702258.3), dbSNP rs1593411778, ClinGen allele CA2089949653.

ClinVar aggregate classification (germline): Uncertain significance (1 of 4 stars; one submission).

Conditions:
Retinoblastoma (RB1). Also called: RETINOBLASTOMA, SOMATIC. Identifiers: Orphanet 790, MedGen C0035335, MeSH D012175, MONDO:0008380, OMIM 180200, HP:0009919. Disease mechanism: loss of function. Inheritance: Both sporadic and heritable forms are tested..

Allele frequency attached by ClinVar (database versions not stated): TOPMed below 0.00001; gnomAD exomes below 0.00001.
gnomAD v4.1: 4 of 1,494,418 alleles (0.00027%); highest among the groups gnomAD compares: East Asian, 0.0056%; no homozygotes.

Submission:

Labcorp Genetics (formerly Invitae), Labcorp
Classification: Uncertain significance for Retinoblastoma. Last evaluated: 2026-01-05. Review status: criteria provided, single submitter. Criteria: Invitae Variant Classification Sherloc (09022015). Collection method: clinical testing. Allele origin: germline.
Comment: This variant occurs in a non-coding region of the RB1 gene. It does not change the encoded amino acid sequence of the RB1 protein. This variant is not present in population databases (gnomAD no frequency). This variant has been observed in individual(s) with retinoblastoma (PMID: 39303840). ClinVar contains an entry for this variant (Variation ID: 2702258). In summary, the available evidence is currently insufficient to determine the role of this variant in disease. Therefore, it has been classified as a Variant of Uncertain Significance.

Literature cited by the submitters: PubMed 39303840.